The following is an entry in ClinVar:

NM_007327.4(GRIN1):c.2244G>C (p.Thr748=)

Gene: GRIN1 (glutamate ionotropic receptor NMDA type subunit 1; plus strand). Cytogenetic location: 9q34.3.
Variant type: single nucleotide variant.
Coding change: c.2244G>C on transcript NM_007327.4 (MANE Select); coding-DNA position 2244, G replaced by C.
Protein change: p.Thr748=; no amino-acid change (threonine 748 retained).
Molecular consequence: synonymous variant.
Genome position (GRCh38, 1-based): chr9:137,163,241, G>C. VCF-style: chr9-137163241-G-C. GRCh37 (hg19) VCF-style: chr9-140057693-G-C.
Other names: p.Thr748=; c.2244G>C, p.Thr748= (NM_000832.7, NM_021569.4); c.2307G>C, p.Thr769= (NM_001185090.2, NM_001185091.2).
Identifiers: ClinVar variation 129181 (VCV000129181.23), dbSNP rs79570612, ClinGen allele CA153023.

ClinVar aggregate classification (germline): Benign. Review status: criteria provided, multiple submitters, no conflicts (2 of 4 stars). 7 submissions from 7 submitters: Benign (6). 1 of the submissions does not count toward it. Last evaluated 2026-02-03.

Conditions:
Inborn genetic diseases. Identifiers: MedGen C0950123, MeSH D030342.
Neurodevelopmental disorder with or without hyperkinetic movements and seizures, autosomal dominant. Also called: Intellectual disability, autosomal dominant 8. Identifiers: MedGen C3280282, MONDO:0013655, OMIM 614254.

Allele frequency attached by ClinVar (database versions not stated): ExAC 0.00526; gnomAD 0.01529 and 0.01637; 1000 Genomes Project 0.01577; 1000 Genomes Project 30x 0.01608; TOPMed 0.01685; ESP Exome Variant Server 0.01938.
gnomAD v4.1: 5,081 of 1,613,720 alleles (0.31%); highest among the groups gnomAD compares: African/African-American, 5.4%; 103 homozygotes.

Submissions (7):

Labcorp Genetics (formerly Invitae), Labcorp
Classification: Benign for Neurodevelopmental disorder with or without hyperkinetic movements and seizures, autosomal dominant. Last evaluated: 2026-02-03. Review status: criteria provided, single submitter. Criteria: Invitae Variant Classification Sherloc (09022015). Collection method: clinical testing. Allele origin: germline.

Mayo Clinic Laboratories, Mayo Clinic
Classification: Benign. Last evaluated: 2018-04-10. Review status: criteria provided, single submitter. Criteria: ACMG Guidelines, 2015. Collection method: clinical testing. Allele origin: germline. Observed: 6 variant alleles.

Athena Diagnostics
Classification: Benign. Last evaluated: 2017-06-26. Review status: criteria provided, single submitter. Criteria: Athena Diagnostics Criteria. Collection method: clinical testing. Allele origin: germline.

Ambry Genetics
Classification: Benign for Inborn genetic diseases. Last evaluated: 2016-03-02. Review status: criteria provided, single submitter. Criteria: Ambry Variant Classification Scheme 2023. Collection method: clinical testing. Allele origin: germline.

GeneDx
Classification: Benign. Last evaluated: 2016-01-20. Review status: criteria provided, single submitter. Criteria: GeneDx Variant Classification (06012015). Collection method: clinical testing. Allele origin: germline. Affected: yes.
Comment: This variant is considered likely benign or benign based on one or more of the following criteria: it is a conservative change, it occurs at a poorly conserved position in the protein, it is predicted to be benign by multiple in silico algorithms, and/or has population frequency not consistent with disease.

Breakthrough Genomics
Classification: Benign. Review status: criteria provided, single submitter. Criteria: ACMG Guidelines, 2015. Collection method: not provided. Allele origin: germline. Inheritance: Autosomal recessive inheritance. Affected: yes.

Genetic Services Laboratory, University of Chicago
Classification: Likely benign for AllHighlyPenetrant. Review status: no assertion criteria provided. Collection method: clinical testing. Allele origin: germline. Inheritance: Autosomal dominant inheritance. Not counted in ClinVar's aggregate classification.
Comment: Likely benign based on allele frequency in 1000 Genomes Project or ESP global frequency and its presence in a patient with a rare or unrelated disease phenotype. NOT Sanger confirmed.